The following is an entry in ClinVar:

ClinVar aggregate classification (germline): Uncertain significance (0 of 4 stars; one submission).

Conditions:
CHD7-related disorder. Also called: CHD7-related condition.

Submission:

PreventionGenetics, part of Exact Sciences
Classification: Uncertain significance for CHD7-related condition. Last evaluated: 2024-05-16. Review status: no assertion criteria provided. Collection method: clinical testing. Allele origin: germline.
Comment: The CHD7 c.2644G>T variant is predicted to result in the amino acid substitution p.Val882Leu. To our knowledge, this variant has not been reported in the literature or in a large population database, indicating this variant is rare. At this time, the clinical significance of this variant is uncertain due to the absence of conclusive functional and genetic evidence.

NM_017780.4(CHD7):c.2644G>T (p.Val882Leu)

Gene: CHD7 (chromodomain helicase DNA binding protein 7; plus strand). Cytogenetic location: 8q12.2.
Variant type: single nucleotide variant.
Coding change: c.2644G>T on transcript NM_017780.4 (MANE Select); coding-DNA position 2644, G replaced by T.
Protein change: p.Val882Leu; replaces valine 882 with leucine.
Molecular consequence: missense variant. On other transcripts: intron variant (1).
Genome position (GRCh38, 1-based): chr8:60,820,037, G>T. VCF-style: chr8-60820037-G-T. GRCh37 (hg19) VCF-style: chr8-61732596-G-T.
Other names: c.1716+38987G>T (NM_001316690.1); short protein forms V882L.
Identifiers: ClinVar variation 3347757 (VCV003347757.1).
Genomic context (GRCh38, chr8:60,820,037, plus strand): 5'-CTTTAACTTTTTTTTTTCCCTTTGGTGTAGATTGAGGATGAGCTTTTTAATCCAGATTAT[G>T]TGGAGGTTGACCGGATAATGGACTTTGCACGTAGCACAGATGACCGGGGAGAGGTAACAG-3'
Protein context (NP_060250.2, residues 872-892): IEDELFNPDY[Val882Leu]EVDRIMDFAR